The following is an entry in ClinVar:

ClinVar aggregate classification (germline): Likely benign. Review status: criteria provided, single submitter (1 of 4 stars). 2 submissions from 2 submitters: Likely benign (1). 1 of the submissions does not count toward it. Last evaluated 2017-06-12.

Conditions:
Inborn genetic diseases. Identifiers: MedGen C0950123, MeSH D030342.
CREBBP-related disorder. Also called: CREBBP-related disorders; CREBBP-related condition.

Allele frequency attached by ClinVar (database versions not stated): ExAC 0.00001; gnomAD exomes 0.00001; gnomAD 0.00002; TOPMed 0.00002.
gnomAD v4.1: 20 of 1,613,984 alleles (0.0012%); highest among the groups gnomAD compares: South Asian, 0.0022%; no homozygotes.

Submissions (2):

Ambry Genetics
Classification: Likely benign for Inborn genetic diseases. Last evaluated: 2017-06-12. Review status: criteria provided, single submitter. Criteria: Ambry Variant Classification Scheme 2023. Collection method: clinical testing. Allele origin: germline.

PreventionGenetics, part of Exact Sciences
Classification: Likely benign for CREBBP-related condition. Last evaluated: 2023-05-04. Review status: no assertion criteria provided. Collection method: clinical testing. Allele origin: germline. Not counted in ClinVar's aggregate classification.
Comment: This variant is classified as likely benign based on ACMG/AMP sequence variant interpretation guidelines (Richards et al. 2015 PMID: 25741868, with internal and published modifications).

NM_004380.3(CREBBP):c.2685C>T (p.Ser895=)

Gene: CREBBP (CREB binding lysine acetyltransferase; minus strand). Cytogenetic location: 16p13.3.
Variant type: single nucleotide variant.
Coding change: c.2685C>T on transcript NM_004380.3 (MANE Select); coding-DNA position 2685, C replaced by T.
Protein change: p.Ser895=; no amino-acid change (serine 895 retained).
Molecular consequence: synonymous variant.
Genome position (GRCh38, 1-based): chr16:3,770,765, G>A on the plus strand (C>T on the coding strand, the complement: CREBBP is on the minus strand). VCF-style: chr16-3770765-G-A. GRCh37 (hg19) VCF-style: chr16-3820766-G-A.
Other names: c.2571C>T, p.Ser857= (NM_001079846.1).
Identifiers: ClinVar variation 1794720 (VCV001794720.4), dbSNP rs773318840, ClinGen allele CA7870050.